The following is an entry in ClinVar:

ClinVar aggregate classification (germline): Uncertain significance (1 of 4 stars; one submission).

Submission:

Labcorp Genetics (formerly Invitae), Labcorp
Classification: Uncertain significance. Last evaluated: 2023-04-07. Review status: criteria provided, single submitter. Criteria: Invitae Variant Classification Sherloc (09022015). Collection method: clinical testing. Allele origin: germline.
Comment: In summary, the available evidence is currently insufficient to determine the role of this variant in disease. Therefore, it has been classified as a Variant of Uncertain Significance. An algorithm developed to predict the effect of missense changes on protein structure and function (PolyPhen-2) suggests that this variant is likely to be tolerated. ClinVar contains an entry for this variant (Variation ID: 1935572). This variant has not been reported in the literature in individuals affected with ADAMTS18-related conditions. This variant is not present in population databases (gnomAD no frequency). This sequence change replaces alanine, which is neutral and non-polar, with glycine, which is neutral and non-polar, at codon 859 of the ADAMTS18 protein (p.Ala859Gly).

NM_199355.4(ADAMTS18):c.2576C>G (p.Ala859Gly)

Gene: ADAMTS18 (ADAM metallopeptidase with thrombospondin type 1 motif 18; minus strand). Cytogenetic location: 16q23.1.
Variant type: single nucleotide variant.
Coding change: c.2576C>G on transcript NM_199355.4 (MANE Select); coding-DNA position 2576, C replaced by G.
Protein change: p.Ala859Gly; replaces alanine 859 with glycine.
Molecular consequence: missense variant.
Genome position (GRCh38, 1-based): chr16:77,300,361, G>C on the plus strand (C>G on the coding strand, the complement: ADAMTS18 is on the minus strand). VCF-style: chr16-77300361-G-C. GRCh37 (hg19) VCF-style: chr16-77334258-G-C.
Other names: c.2060C>G, p.Ala687Gly (NM_001326358.2); short protein forms A859G, A687G.
Identifiers: ClinVar variation 1935572 (VCV001935572.5), dbSNP rs2030847944, ClinGen allele CA396823757.
Genomic context (GRCh38, chr16:77,300,361, plus strand): 5'-CTCCAGGTATAGGCAGGTCTTTTTGTGGCTGGTGGAGTTCCATTCATGACCTTGGGAAGT[G>C]CATACTTCCAAGCTATCCCTGGATTTTTGCCTTGCATCAGAATCTGGACAGTGTAAGATA-3'
Protein context (NP_955387.1, residues 849-869): GKNPGIAWKY[Ala859Gly]LPKVMNGTPP